The following is an entry in ClinVar:

NM_005477.3(HCN4):c.1261C>T (p.Leu421Phe)

Gene: HCN4 (hyperpolarization activated cyclic nucleotide gated potassium channel 4; minus strand). Cytogenetic location: 15q24.1.
Variant type: single nucleotide variant.
Coding change: c.1261C>T on transcript NM_005477.3 (MANE Select); coding-DNA position 1261, C replaced by T.
Protein change: p.Leu421Phe; replaces leucine 421 with phenylalanine.
Molecular consequence: missense variant.
Genome position (GRCh38, 1-based): chr15:73,332,241, G>A on the plus strand (C>T on the coding strand, the complement: HCN4 is on the minus strand). VCF-style: chr15-73332241-G-A. GRCh37 (hg19) VCF-style: chr15-73624582-G-A.
Other names: short protein forms L421F.
Identifiers: ClinVar variation 3710266 (VCV003710266.2).

ClinVar aggregate classification (germline): Uncertain significance (1 of 4 stars; one submission).

Conditions:
Brugada syndrome 8 (BRGDA8). Identifiers: Orphanet 130, MedGen C2751083, MONDO:0013148, OMIM 613123.

Submission:

Labcorp Genetics (formerly Invitae), Labcorp
Classification: Uncertain significance for Brugada syndrome 8. Last evaluated: 2024-07-22. Review status: criteria provided, single submitter. Criteria: Invitae Variant Classification Sherloc (09022015). Collection method: clinical testing. Allele origin: germline.
Comment: This sequence change replaces leucine, which is neutral and non-polar, with phenylalanine, which is neutral and non-polar, at codon 421 of the HCN4 protein (p.Leu421Phe). This variant is not present in population databases (gnomAD no frequency). This variant has not been reported in the literature in individuals affected with HCN4-related conditions. Advanced modeling of protein sequence and biophysical properties (such as structural, functional, and spatial information, amino acid conservation, physicochemical variation, residue mobility, and thermodynamic stability) performed at Invitae indicates that this missense variant is expected to disrupt HCN4 protein function with a positive predictive value of 80%. In summary, the available evidence is currently insufficient to determine the role of this variant in disease. Therefore, it has been classified as a Variant of Uncertain Significance.